The following is an entry in ClinVar:

ClinVar aggregate classification (germline): Benign. Review status: criteria provided, multiple submitters, no conflicts (2 of 4 stars). 2 submissions from 2 submitters: Benign (2). Last evaluated 2018-06-17.

Allele frequency attached by ClinVar (database versions not stated): 1000 Genomes Project 30x 0.02498; 1000 Genomes Project 0.02556; gnomAD exomes 0.02607 and 0.04850; TOPMed 0.03596; gnomAD 0.04112 and 0.04136; ESP Exome Variant Server 0.04408; ExAC 0.05339.
gnomAD v4.1: 39,960 of 1,439,796 alleles (2.8%); highest among the groups gnomAD compares: South Asian, 5.6%; 1,344 homozygotes.

Submissions (6):

GeneDx
Classification: Benign. Last evaluated: 2018-06-17. Review status: criteria provided, single submitter. Criteria: GeneDx Variant Classification (06012015). Collection method: clinical testing. Allele origin: germline. Affected: yes.
Comment: This variant is considered likely benign or benign based on one or more of the following criteria: it is a conservative change, it occurs at a poorly conserved position in the protein, it is predicted to be benign by multiple in silico algorithms, and/or has population frequency not consistent with disease.

Breakthrough Genomics
Classification: Benign. Review status: criteria provided, single submitter. Criteria: ACMG Guidelines, 2015. Collection method: not provided. Allele origin: germline. Inheritance: Autosomal recessive inheritance. Affected: yes.

Dr. Peter K. Rogan Lab, Western University
No classification provided (evidence only). Condition: Acute myeloid leukemia. Review status: no classification provided. Collection method: in vitro. Allele origin: not applicable. Functional consequence: retained intron. Not counted in ClinVar's aggregate classification.

Dr. Peter K. Rogan Lab, Western University
No classification provided (evidence only). Condition: Acute myeloid leukemia. Review status: no classification provided. Collection method: in vitro. Allele origin: not applicable. Functional consequence: retained intron. Not counted in ClinVar's aggregate classification.

Dr. Peter K. Rogan Lab, Western University
No classification provided (evidence only). Condition: Acute myeloid leukemia. Review status: no classification provided. Collection method: in vitro. Allele origin: not applicable. Functional consequence: retained intron. Not counted in ClinVar's aggregate classification.

Dr. Peter K. Rogan Lab, Western University
No classification provided (evidence only). Condition: Thymoma. Review status: no classification provided. Collection method: in vitro. Allele origin: not applicable. Functional consequence: retained intron. Not counted in ClinVar's aggregate classification.

NM_001457.4(FLNB):c.7621+42C>T

Genes: FLNB (filamin B; plus strand), FLNB-AS1 (FLNB antisense RNA 1; minus strand). Cytogenetic location: 3p14.3.
Variant type: single nucleotide variant.
Coding change: c.7621+42C>T on transcript NM_001457.4 (MANE Select); 42 bases into the intron after coding-DNA position 7621, C replaced by T.
Molecular consequence: intron variant.
Genome position (GRCh38, 1-based): chr3:58,169,835, C>T. VCF-style: chr3-58169835-C-T. GRCh37 (hg19) VCF-style: chr3-58155562-C-T.
Other names: NC_000003.11:g.58155562C>T; c.7714+42C>T (NM_001164317.2); c.7588+42C>T (NM_001164318.2); c.7549+42C>T (NM_001164319.2).
Identifiers: ClinVar variation 675156 (VCV000675156.3), dbSNP rs76686684, ClinGen allele CA2469740.